The following is an entry in ClinVar:

ClinVar aggregate classification (germline): Conflicting classifications of pathogenicity. Review status: criteria provided, conflicting classifications (1 of 4 stars). 4 submissions from 4 submitters: Uncertain significance (3); Likely benign (1). Last evaluated 2023-10-23.

Conditions:
Hereditary cancer-predisposing syndrome. Also called: Tumor predisposition; Hereditary Cancer Syndrome; Hereditary neoplastic syndrome; Neoplastic Syndromes, Hereditary. Identifiers: Orphanet 140162, MedGen C0027672, MeSH D009386, MONDO:0015356.
Hereditary breast ovarian cancer syndrome. Also called: Breast and ovarian cancer; Hereditary breast and ovarian cancer; Hereditary breast and/or ovarian cancer syndrome; BRCA1- and BRCA2-Associated Hereditary Breast and Ovarian Cancer; Hereditary breast and ovarian cancer syndrome (HBOC); Hereditary breast and ovarian cancer syndrome. Identifiers: Orphanet 145, MedGen C0677776, MeSH D061325, MONDO:0003582. Disease mechanism: loss of function.

Allele frequency attached by ClinVar (database versions not stated): TOPMed below 0.00001.
gnomAD v4.1: 1 of 1,613,854 alleles (0.000062%); highest among the groups gnomAD compares: Non-Finnish European, 0.000085%; no homozygotes.

Submissions (4):

Labcorp Genetics (formerly Invitae), Labcorp
Classification: Uncertain significance for Hereditary breast ovarian cancer syndrome. Last evaluated: 2023-10-23. Review status: criteria provided, single submitter. Criteria: Invitae Variant Classification Sherloc (09022015). Collection method: clinical testing. Allele origin: germline.
Comment: This sequence change replaces proline, which is neutral and non-polar, with arginine, which is basic and polar, at codon 721 of the BRCA2 protein (p.Pro721Arg). This variant is not present in population databases (gnomAD no frequency). This variant has not been reported in the literature in individuals affected with BRCA2-related conditions. ClinVar contains an entry for this variant (Variation ID: 182187). Advanced modeling of protein sequence and biophysical properties (such as structural, functional, and spatial information, amino acid conservation, physicochemical variation, residue mobility, and thermodynamic stability) performed at Invitae indicates that this missense variant is not expected to disrupt BRCA2 protein function. In summary, the available evidence is currently insufficient to determine the role of this variant in disease. Therefore, it has been classified as a Variant of Uncertain Significance.

University of Washington Department of Laboratory Medicine, University of Washington
Classification: Likely benign for Hereditary cancer-predisposing syndrome. Last evaluated: 2023-03-23. Review status: criteria provided, single submitter. Criteria: Dines et al. (Genet Med. 2020). Collection method: curation. Allele origin: germline.
Comment: Missense variant in a coldspot region where missense variants are very unlikely to be pathogenic (PMID:31911673).

BRCA2 exon 11 coldspot. Reclassification based on statistical prior probability.

Ambry Genetics
Classification: Uncertain significance for Hereditary cancer-predisposing syndrome. Last evaluated: 2022-05-12. Review status: criteria provided, single submitter. Criteria: Ambry Variant Classification Scheme 2023. Collection method: clinical testing. Allele origin: germline.
Comment: The p.P721R variant (also known as c.2162C>G), located in coding exon 10 of the BRCA2 gene, results from a C to G substitution at nucleotide position 2162. The proline at codon 721 is replaced by arginine, an amino acid with dissimilar properties. This amino acid position is conserved. In addition, this alteration is predicted to be tolerated by in silico analysis. Since supporting evidence is limited at this time, the clinical significance of this alteration remains unclear.

GeneDx
Classification: Uncertain significance. Last evaluated: 2014-05-01. Review status: criteria provided, single submitter. Criteria: GeneDx Variant Classification (06012015). Collection method: clinical testing. Allele origin: germline. Affected: yes.
Comment: This variant is denoted BRCA2 c.2162C>G at the cDNA level, p.Pro721Arg (P721R) at the protein level, and results in the change of a Proline to an Arginine (CCA>CGA). This variant, also denoted as 2390C>G using alternate nomenclature, has not been published in the literature as pathogenic or benign to our knowledge. BRCA2 Pro721Arg was not observed in approximately 6,500 individuals of European and African American ancestry in the NHLBI Exome Sequencing Project, indicating it is not a common benign variant in these populations. Since Proline and Arginine differ in polarity, charge, size or other properties, this is considered a non-conservative amino acid substitution. BRCA2 Pro721Arg occurs at a position that is moderately conserved across species and is located in the NPM1 binding domain (UniProt). In silico analyses predict that this variant is unlikely to alter protein structure or function. Based on currently available information, it is unclear whether BRCA2 Pro721Arg is pathogenic or benign. We consider it to be a variant of uncertain significance.

NM_000059.4(BRCA2):c.2162C>G (p.Pro721Arg)

Gene: BRCA2 (BRCA2 DNA repair associated; plus strand). Cytogenetic location: 13q13.1.
Variant type: single nucleotide variant.
Coding change: c.2162C>G on transcript NM_000059.4 (MANE Select); coding-DNA position 2162, C replaced by G.
Protein change: p.Pro721Arg; replaces proline 721 with arginine.
Molecular consequence: missense variant.
Genome position (GRCh38, 1-based): chr13:32,336,517, C>G. VCF-style: chr13-32336517-C-G. GRCh37 (hg19) VCF-style: chr13-32910654-C-G.
Other names: p.P721R:CCA>CGA; short protein forms P721R.
Identifiers: ClinVar variation 182187 (VCV000182187.9), dbSNP rs730881512, ClinGen allele CA014489.